The following is an entry in ClinVar:

NM_000465.4(BARD1):c.1445A>T (p.Gln482Leu)

Gene: BARD1 (BRCA1 associated RING domain 1; minus strand). Cytogenetic location: 2q35.
Variant type: single nucleotide variant.
Coding change: c.1445A>T on transcript NM_000465.4 (MANE Select); coding-DNA position 1445, A replaced by T.
Protein change: p.Gln482Leu; replaces glutamine 482 with leucine.
Molecular consequence: missense variant. On other transcripts: non-coding transcript variant (3), intron variant (3).
Genome position (GRCh38, 1-based): chr2:214,767,605, T>A on the plus strand (A>T on the coding strand, the complement: BARD1 is on the minus strand). VCF-style: chr2-214767605-T-A. GRCh37 (hg19) VCF-style: chr2-215632329-T-A.
Other names: c.1388A>T, p.Gln463Leu (NM_001282543.2); c.159-15050A>T (NM_001282548.2); c.216-15050A>T (NM_001282545.2); c.364+24692A>T (NM_001282549.2); short protein forms Q482L, Q463L.
Identifiers: ClinVar variation 489655 (VCV000489655.6), dbSNP rs1553619304, ClinGen allele CA350448549.

ClinVar aggregate classification (germline): Uncertain significance (1 of 4 stars; one submission).

Conditions:
Hereditary cancer-predisposing syndrome. Also called: Hereditary Cancer Syndrome; Neoplastic Syndromes, Hereditary; Tumor predisposition; Hereditary neoplastic syndrome. Identifiers: Orphanet 140162, MedGen C0027672, MeSH D009386, MONDO:0015356.

Submission:

Color Diagnostics, LLC DBA Color Health
Classification: Uncertain significance for Hereditary cancer-predisposing syndrome. Last evaluated: 2023-12-05. Review status: criteria provided, single submitter. Criteria: ACMG Guidelines, 2015. Collection method: clinical testing. Allele origin: germline.
Comment: This missense variant replaces glutamine with leucine at codon 482 of the BARD1 protein. Computational prediction suggests that this variant may not impact protein structure and function (internally defined REVEL score threshold <= 0.5, PMID: 27666373). To our knowledge, functional studies have not been reported for this variant. This variant has not been reported in individuals affected with BARD1-related disorders in the literature. This variant has not been identified in the general population by the Genome Aggregation Database (gnomAD). The available evidence is insufficient to determine the role of this variant in disease conclusively. Therefore, this variant is classified as a Variant of Uncertain Significance.